The following is an entry in ClinVar:

NM_001128178.3(NPHP1):c.1578G>C (p.Leu526Phe)

Gene: NPHP1 (nephrocystin 1; minus strand). Cytogenetic location: 2q13.
Variant type: single nucleotide variant.
Coding change: c.1578G>C on transcript NM_001128178.3 (MANE Select); coding-DNA position 1578, G replaced by C.
Protein change: p.Leu526Phe; replaces leucine 526 with phenylalanine.
Molecular consequence: missense variant.
Genome position (GRCh38, 1-based): chr2:110,131,743, C>G on the plus strand (G>C on the coding strand, the complement: NPHP1 is on the minus strand). VCF-style: chr2-110131743-C-G. GRCh37 (hg19) VCF-style: chr2-110889320-C-G.
Other names: c.1746G>C, p.Leu582Phe (NM_000272.5); c.1389G>C, p.Leu463Phe (NM_001128179.3); c.1575G>C, p.Leu525Phe (NM_001374256.1); c.1578G>C, p.Leu526Phe (NM_001374257.1); c.1743G>C, p.Leu581Phe (NM_207181.4); short protein forms L582F, L581F, L463F, L525F, L526F.
Identifiers: ClinVar variation 1392041 (VCV001392041.8), dbSNP rs376737714, ClinGen allele CA1826968.
Genomic context (GRCh38, chr2:110,131,743, plus strand): 5'-ACTTTGCAAGCTCATCCTGTCTTTCAGGAGCACATCTCCAAGAATTTGTCGATAAAATAT[C>G]AACAAGTGAATAGAACACATATTTCCAATTAATGTTTCTGGCAGTAGACTATTAAAGAAG-3'
Protein context (NP_001121650.1, residues 516-536): LIGNMCSIHL[Leu526Phe]IFYRQILGDV

ClinVar aggregate classification (germline): Uncertain significance (1 of 4 stars; one submission).

Conditions:
Nephronophthisis. Also called: Juvenile Nephronophthisis. Identifiers: Orphanet 655, MedGen C0687120, MONDO:0019005, HP:0000090.

Allele frequency attached by ClinVar (database versions not stated): TOPMed below 0.00001; gnomAD 0.00001; gnomAD exomes 0.00001 and 0.00002; ExAC 0.00003; ESP Exome Variant Server 0.00008.

Submission:

Labcorp Genetics (formerly Invitae), Labcorp
Classification: Uncertain significance for Nephronophthisis. Last evaluated: 2021-07-12. Review status: criteria provided, single submitter. Criteria: Invitae Variant Classification Sherloc (09022015). Collection method: clinical testing. Allele origin: germline.
Comment: In summary, the available evidence is currently insufficient to determine the role of this variant in disease. Therefore, it has been classified as a Variant of Uncertain Significance. This variant has not been reported in the literature in individuals affected with NPHP1-related conditions. Algorithms developed to predict the effect of missense changes on protein structure and function are either unavailable or do not agree on the potential impact of this missense change (SIFT: "Tolerated"; PolyPhen-2: "Probably Damaging"; Align-GVGD: "Class C0"). This variant is present in population databases (rs376737714, ExAC 0.005%). This sequence change replaces leucine with phenylalanine at codon 582 of the NPHP1 protein (p.Leu582Phe). The leucine residue is moderately conserved and there is a small physicochemical difference between leucine and phenylalanine.